The following is an entry in ClinVar:

NM_000368.5(TSC1):c.*3679G>A

Gene: TSC1 (TSC complex subunit 1; minus strand). Cytogenetic location: 9q34.13.
Variant type: single nucleotide variant.
Coding change: c.*3679G>A on transcript NM_000368.5 (MANE Select); 3679 bases downstream of the stop codon, G replaced by A.
Molecular consequence: 3 prime UTR variant.
Genome position (GRCh38, 1-based): chr9:132,892,556, C>T on the plus strand (G>A on the coding strand, the complement: TSC1 is on the minus strand). VCF-style: chr9-132892556-C-T. GRCh37 (hg19) VCF-style: chr9-135767943-C-T.
Other names: c.*3679G>A (NM_001162426.2, NM_001162427.2, NM_001362177.2).
Identifiers: ClinVar variation 365414 (VCV000365414.6), dbSNP rs1050700, ClinGen allele CA10632665.

ClinVar aggregate classification (germline): Benign. Review status: criteria provided, multiple submitters, no conflicts (2 of 4 stars). 3 submissions from 2 submitters: Benign (3). Last evaluated 2018-01-13.

Conditions:
Tuberous sclerosis 1 (TSC1). Identifiers: Orphanet 805, MedGen C1854465, MONDO:0008612, OMIM 191100.
Isolated focal cortical dysplasia type II (FCORD2). Also called: CORTICAL DYSPLASIA OF TAYLOR; Focal cortical dysplasia type II. Identifiers: Orphanet 268994, MedGen C1846385, MONDO:0011818, OMIM 607341, HP:0032051.

Allele frequency attached by ClinVar (database versions not stated): TOPMed 0.66888; gnomAD 0.68068 and 0.68785; gnomAD exomes 0.71526; 1000 Genomes Project 30x 0.72017; 1000 Genomes Project 0.72584.

Submissions (3):

Illumina Laboratory Services, Illumina
Classification: Benign for Isolated focal cortical dysplasia type II. Last evaluated: 2018-01-13. Review status: criteria provided, single submitter. Criteria: ICSL Variant Classification Criteria 13 December 2019. Collection method: clinical testing. Allele origin: germline.
Comment: This variant was observed in the ICSL laboratory as part of a predisposition screen in an ostensibly healthy population. It had not been previously curated by ICSL or reported in the Human Gene Mutation Database (HGMD: prior to June 1st, 2018), and was therefore a candidate for classification through an automated scoring system. Utilizing variant allele frequency, disease prevalence and penetrance estimates, and inheritance mode, an automated score was calculated to assess if this variant is too frequent to cause the disease. Based on the score and internal cut-off values, a variant classified as benign is not then subjected to further curation. The score for this variant resulted in a classification of benign for this disease.

Illumina Laboratory Services, Illumina
Classification: Benign for Tuberous sclerosis 1. Last evaluated: 2018-01-13. Review status: criteria provided, single submitter. Criteria: ICSL Variant Classification Criteria 13 December 2019. Collection method: clinical testing. Allele origin: germline.
Comment: the same text as in the submission from Illumina Laboratory Services, Illumina above.

Breakthrough Genomics
Classification: Benign. Review status: criteria provided, single submitter. Criteria: ACMG Guidelines, 2015. Collection method: not provided. Allele origin: germline. Inheritance: Autosomal dominant inheritance. Affected: yes.